The following is an entry in ClinVar:

ClinVar aggregate classification (germline): Uncertain significance (1 of 4 stars; one submission).

Conditions:
Methylcobalamin deficiency type cblG (HMAG). Also called: HOMOCYSTINURIA-MEGALOBLASTIC ANEMIA DUE TO DEFECT IN COBALAMIN METABOLISM, cblG COMPLEMENTATION TYPE; HOMOCYSTINURIA-MEGALOBLASTIC ANEMIA, cblG TYPE; HOMOCYSTINURIA-MEGALOBLASTIC ANEMIA, cblG COMPLEMENTATION TYPE; Functional methionine synthase deficiency type cblG. Identifiers: Orphanet 2170, Orphanet 622, MedGen C1855128, MONDO:0009609, OMIM 250940.

Allele frequency attached by ClinVar (database versions not stated): TOPMed 0.00003; gnomAD exomes 0.00004 and 0.00007; gnomAD 0.00006 and 0.00007; ExAC 0.00007.
gnomAD v4.1: 66 of 1,613,978 alleles (0.0041%); highest among the groups gnomAD compares: South Asian, 0.038%; no homozygotes.

Submission:

Labcorp Genetics (formerly Invitae), Labcorp
Classification: Uncertain significance for Methylcobalamin deficiency type cblG. Last evaluated: 2021-10-02. Review status: criteria provided, single submitter. Criteria: Invitae Variant Classification Sherloc (09022015). Collection method: clinical testing. Allele origin: germline.
Comment: This sequence change replaces tyrosine with cysteine at codon 1063 of the MTR protein (p.Tyr1063Cys). The tyrosine residue is moderately conserved and there is a large physicochemical difference between tyrosine and cysteine. This variant is present in population databases (rs769801712, ExAC 0.02%). This variant has not been reported in the literature in individuals affected with MTR-related conditions. Algorithms developed to predict the effect of missense changes on protein structure and function (SIFT, PolyPhen-2, Align-GVGD) all suggest that this variant is likely to be tolerated. In summary, the available evidence is currently insufficient to determine the role of this variant in disease. Therefore, it has been classified as a Variant of Uncertain Significance.

NM_000254.3(MTR):c.3188A>G (p.Tyr1063Cys)

Gene: MTR (5-methyltetrahydrofolate-homocysteine methyltransferase; plus strand). Cytogenetic location: 1q43.
Variant type: single nucleotide variant.
Coding change: c.3188A>G on transcript NM_000254.3 (MANE Select); coding-DNA position 3188, A replaced by G.
Protein change: p.Tyr1063Cys; replaces tyrosine 1063 with cysteine.
Molecular consequence: missense variant.
Genome position (GRCh38, 1-based): chr1:236,891,313, A>G. VCF-style: chr1-236891313-A-G. GRCh37 (hg19) VCF-style: chr1-237054613-A-G.
Other names: c.3035A>G, p.Tyr1012Cys (NM_001291939.1); c.1967A>G, p.Tyr656Cys (NM_001291940.2); short protein forms Y1012C, Y656C, Y1063C.
Identifiers: ClinVar variation 856674 (VCV000856674.5), dbSNP rs769801712, ClinGen allele CA1474624.